The following is an entry in ClinVar:

ClinVar aggregate classification (germline): Pathogenic (1 of 4 stars; one submission).

Allele frequency attached by ClinVar (database versions not stated): gnomAD exomes below 0.00001.
gnomAD v4.1: 1 of 1,614,086 alleles (0.000062%); highest among the groups gnomAD compares: Non-Finnish European, 0.000085%; no homozygotes.

Submission:

Labcorp Genetics (formerly Invitae), Labcorp
Classification: Pathogenic. Last evaluated: 2023-01-01. Review status: criteria provided, single submitter. Criteria: Invitae Variant Classification Sherloc (09022015). Collection method: clinical testing. Allele origin: germline.
Comment: This sequence change creates a premature translational stop signal (p.Gln249*) in the COL11A2 gene. It is expected to result in an absent or disrupted protein product. Loss-of-function variants in COL11A2 are known to be pathogenic (PMID: 10677296, 21204229). For these reasons, this variant has been classified as Pathogenic. This variant has not been reported in the literature in individuals affected with COL11A2-related conditions. This variant is not present in population databases (gnomAD no frequency).

Literature cited by the submitters: PubMed 10677296; PubMed 21204229.

NM_080680.3(COL11A2):c.745C>T (p.Gln249Ter)

Gene: COL11A2 (collagen type XI alpha 2 chain; minus strand). Cytogenetic location: 6p21.32.
Variant type: single nucleotide variant.
Coding change: c.745C>T on transcript NM_080680.3 (MANE Select); coding-DNA position 745, C replaced by T.
Protein change: p.Gln249Ter; replaces glutamine 249 with a stop codon.
Molecular consequence: nonsense. On other transcripts: 5 prime UTR variant (3), non-coding transcript variant (1).
Genome position (GRCh38, 1-based): chr6:33,186,680, G>A on the plus strand (C>T on the coding strand, the complement: COL11A2 is on the minus strand). VCF-style: chr6-33186680-G-A. GRCh37 (hg19) VCF-style: chr6-33154457-G-A.
Other names: c.745C>T, p.Gln249Ter (NM_001163771.2, NM_001424108.1, NM_080679.3 and 1 more transcripts); c.-102C>T (NM_001424109.1, NM_001424110.1, NM_001424111.1); short protein forms Q249*.
Identifiers: ClinVar variation 2825846 (VCV002825846.3), dbSNP rs2535503276, ClinGen allele CA363610210.